The following is an entry in ClinVar:

NM_007215.4(POLG2):c.361T>G (p.Phe121Val)

Genes: MILR1 (mast cell immunoglobulin like receptor 1; plus strand), POLG2 (DNA polymerase gamma 2, accessory subunit; minus strand). Cytogenetic location: 17q23.3.
Variant type: single nucleotide variant.
Coding change: c.361T>G on transcript NM_007215.4 (MANE Select); coding-DNA position 361, T replaced by G.
Protein change: p.Phe121Val; replaces phenylalanine 121 with valine.
Molecular consequence: missense variant.
Genome position (GRCh38, 1-based): chr17:64,496,608, A>C on the plus strand (T>G on the coding strand, the complement: POLG2 is on the minus strand). VCF-style: chr17-64496608-A-C. GRCh37 (hg19) VCF-style: chr17-62492726-A-C.
Other names: short protein forms F121V.
Identifiers: ClinVar variation 758952 (VCV000758952.13), dbSNP rs376142071, ClinGen allele CA8713044.

ClinVar aggregate classification (germline): Conflicting classifications of pathogenicity. Review status: criteria provided, conflicting classifications (1 of 4 stars). 2 submissions from 2 submitters: Uncertain significance (1); Likely benign (1). Last evaluated 2025-12-09.

Allele frequency attached by ClinVar (database versions not stated): gnomAD 0.00005 and 0.00008; ESP Exome Variant Server 0.00008; TOPMed 0.00008; gnomAD exomes 0.00014 and 0.00022; 1000 Genomes Project 30x 0.00016; 1000 Genomes Project 0.00020; ExAC 0.00022.
gnomAD v4.1: 224 of 1,613,486 alleles (0.014%); highest among the groups gnomAD compares: South Asian, 0.12%; 1 homozygote.

Submissions (2):

Labcorp Genetics (formerly Invitae), Labcorp
Classification: Likely benign. Last evaluated: 2025-12-09. Review status: criteria provided, single submitter. Criteria: Invitae Variant Classification Sherloc (09022015). Collection method: clinical testing. Allele origin: germline.

GeneDx
Classification: Uncertain significance. Last evaluated: 2024-05-06. Review status: criteria provided, single submitter. Criteria: GeneDx Variant Classification Process June 2021. Collection method: clinical testing. Allele origin: germline. Affected: yes.
Comment: Has not been previously published as pathogenic or benign to our knowledge; In silico analysis indicates that this missense variant does not alter protein structure/function